The following is an entry in ClinVar:

ClinVar aggregate classification (germline): Uncertain significance. Review status: criteria provided, multiple submitters, no conflicts (2 of 4 stars). 3 submissions from 3 submitters: Uncertain significance (2). 1 of the submissions does not count toward it. Last evaluated 2025-11-05.

Conditions:
Hereditary cancer-predisposing syndrome. Also called: Hereditary Cancer Syndrome; Hereditary neoplastic syndrome; Neoplastic Syndromes, Hereditary; Tumor predisposition. Identifiers: Orphanet 140162, MedGen C0027672, MeSH D009386, MONDO:0015356.
Hereditary breast ovarian cancer syndrome. Also called: BRCA1- and BRCA2-Associated Hereditary Breast and Ovarian Cancer; Hereditary breast and ovarian cancer syndrome; Hereditary breast and ovarian cancer syndrome (HBOC); Breast and ovarian cancer; Hereditary breast and/or ovarian cancer syndrome; Hereditary breast and ovarian cancer. Identifiers: Orphanet 145, MedGen C0677776, MeSH D061325, MONDO:0003582. Disease mechanism: loss of function.
Breast-ovarian cancer, familial, susceptibility to, 1 (BROVCA1). Also called: BRCA1 Hereditary Breast and Ovarian Cancer; OVARIAN CANCER, SUSCEPTIBILITY TO. Identifiers: Orphanet 145, MedGen C2676676, MONDO:0011450, OMIM 604370. Disease mechanism: loss of function.

Submissions (3):

Ambry Genetics
Classification: Uncertain significance for Hereditary cancer-predisposing syndrome. Last evaluated: 2025-11-05. Review status: criteria provided, single submitter. Criteria: Ambry Variant Classification Scheme 2023. Collection method: clinical testing. Allele origin: germline.
Comment: The p.A1608V variant (also known as c.4823C>T), located in coding exon 14 of the BRCA1 gene, results from a C to T substitution at nucleotide position 4823. The alanine at codon 1608 is replaced by valine, an amino acid with similar properties. Functional studies suggest that this variant is neutral based on assays of transcriptional activation activity, drug resistance, and homology directed repair; however, additional evidence is needed to confirm these findings (Woods NT et al. NPJ Genom Med, 2016 Mar;1:16001-; Fernandes VC et al. J Biol Chem, 2019 Apr;294:5980-5992; Bouwman P et al. Clin Cancer Res, 2020 Sep;26:4559-4568; Adamovich AI et al. Am J Hum Genet, 2022 Apr;109:618-630). This amino acid position is not well conserved in available vertebrate species. In addition, the in silico prediction for this alteration is inconclusive. Based on the available evidence, the clinical significance of this variant remains unclear.

Labcorp Genetics (formerly Invitae), Labcorp
Classification: Uncertain significance for Hereditary breast ovarian cancer syndrome. Last evaluated: 2025-06-15. Review status: criteria provided, single submitter. Criteria: Invitae Variant Classification Sherloc (09022015). Collection method: clinical testing. Allele origin: germline.
Comment: This sequence change replaces alanine, which is neutral and non-polar, with valine, which is neutral and non-polar, at codon 1608 of the BRCA1 protein (p.Ala1608Val). This variant is not present in population databases (gnomAD no frequency). This variant has not been reported in the literature in individuals affected with BRCA1-related conditions. ClinVar contains an entry for this variant (Variation ID: 55296). Invitae Evidence Modeling of protein sequence and biophysical properties (such as structural, functional, and spatial information, amino acid conservation, physicochemical variation, residue mobility, and thermodynamic stability) indicates that this missense variant is not expected to disrupt BRCA1 protein function with a negative predictive value of 95%. Experimental studies have shown that this missense change does not substantially affect BRCA1 function (PMID: 15004537). In summary, the available evidence is currently insufficient to determine the role of this variant in disease. Therefore, it has been classified as a Variant of Uncertain Significance.

Breast Cancer Information Core (BIC) (BRCA1)
Classification: Uncertain significance for Breast-ovarian cancer, familial 1. Last evaluated: 1997-11-14. Review status: no assertion criteria provided. Collection method: clinical testing. Allele origin: germline. Affected: yes. Observed: 1 variant allele. Not counted in ClinVar's aggregate classification.

Literature cited by the submitters: PubMed 28781887 (cited by Ambry Genetics); PubMed 30765603 (cited by Ambry Genetics); PubMed 32546644 (cited by Ambry Genetics); PubMed 35196514 (cited by Ambry Genetics); PubMed 15004537 (cited by Labcorp Genetics (formerly Invitae), Labcorp).

NM_007294.4(BRCA1):c.4823C>T (p.Ala1608Val)

Gene: BRCA1 (BRCA1 DNA repair associated; minus strand). Cytogenetic location: 17q21.31.
Variant type: single nucleotide variant.
Coding change: c.4823C>T on transcript NM_007294.4 (MANE Select); coding-DNA position 4823, C replaced by T.
Protein change: p.Ala1608Val; replaces alanine 1608 with valine.
Molecular consequence: missense variant. On other transcripts: non-coding transcript variant (1).
Genome position (GRCh38, 1-based): chr17:43,071,091, G>A on the plus strand (C>T on the coding strand, the complement: BRCA1 is on the minus strand). VCF-style: chr17-43071091-G-A. GRCh37 (hg19) VCF-style: chr17-41223108-G-A.
Other names: c.4823C>T, p.Ala1608Val (NM_001407605.1, NM_001407652.1, NM_001407593.1 and 8 more transcripts); c.4820C>T, p.Ala1607Val (NM_001407610.1, NM_001407611.1, NM_001407612.1 and 17 more transcripts); c.4817C>T, p.Ala1606Val (NM_001407628.1, NM_001407629.1, NM_001407630.1 and 14 more transcripts); c.4694C>T, p.Ala1565Val (NM_001407688.1, NM_001407689.1, NM_001407681.1 and 6 more transcripts); c.4691C>T, p.Ala1564Val (NM_001407690.1, NM_001407691.1); c.4682C>T, p.Ala1561Val (NM_001407692.1, NM_001407694.1, NM_001407695.1 and 13 more transcripts); c.4361C>T, p.Ala1454Val (NM_001407964.1); c.4316C>T, p.Ala1439Val (NM_001407965.1); and 70 more; short protein forms A1608V, A1629V, A1561V, A504V, A1312V, A1439V, A1481V, A1520V.
Identifiers: ClinVar variation 55296 (VCV000055296.12), dbSNP rs80357072, ClinGen allele CA003038.